The following is an entry in ClinVar:

NM_002476.2(MYL4):c.205G>A (p.Gly69Arg)

Gene: MYL4 (myosin light chain 4; plus strand). Cytogenetic location: 17q21.32.
Variant type: single nucleotide variant.
Coding change: c.205G>A on transcript NM_002476.2 (MANE Select); coding-DNA position 205, G replaced by A.
Protein change: p.Gly69Arg; replaces glycine 69 with arginine.
Molecular consequence: missense variant.
Genome position (GRCh38, 1-based): chr17:47,219,945, G>A. VCF-style: chr17-47219945-G-A. GRCh37 (hg19) VCF-style: chr17-45297311-G-A.
Other names: c.205G>A, p.Gly69Arg (NM_001002841.2); short protein forms G69R.
Identifiers: ClinVar variation 4692816 (VCV004692816.1).

ClinVar aggregate classification (germline): Uncertain significance (1 of 4 stars; one submission).

Conditions:
Atrial fibrillation, familial, 18 (ATFB18). Identifiers: MedGen C4310636, MONDO:0015001, OMIM 617280.

gnomAD v4.1: 5 of 1,614,220 alleles (0.00031%); highest among the groups gnomAD compares: African/African-American, 0.0027%; no homozygotes.

Submission:

Labcorp Genetics (formerly Invitae), Labcorp
Classification: Uncertain significance for Atrial fibrillation, familial, 18. Last evaluated: 2025-10-17. Review status: criteria provided, single submitter. Criteria: Invitae Variant Classification Sherloc (09022015). Collection method: clinical testing. Allele origin: germline.
Comment: This sequence change replaces glycine, which is neutral and non-polar, with arginine, which is basic and polar, at codon 69 of the MYL4 protein (p.Gly69Arg). This variant is not present in population databases (gnomAD no frequency). This variant has not been reported in the literature in individuals affected with MYL4-related conditions. An algorithm developed to predict the effect of missense changes on protein structure and function (PolyPhen-2) suggests that this variant is likely to be disruptive. In summary, the available evidence is currently insufficient to determine the role of this variant in disease. Therefore, it has been classified as a Variant of Uncertain Significance.